The following is an entry in ClinVar:

ClinVar aggregate classification (germline): Pathogenic. Review status: criteria provided, multiple submitters, no conflicts (2 of 4 stars). 3 submissions from 3 submitters: Pathogenic (3). Last evaluated 2025-08-26.

Conditions:
Mucopolysaccharidosis, MPS-IV-B (MPS4B). Also called: Mucopolysaccharidosis type IV B; Mucopolysaccharidosis Type IVB; Mucopolysaccharidosis type 4B; Mucopolysaccharidosis type IVB (Morquio); MPS IVB; MORQUIO SYNDROME B. Identifiers: Orphanet 309310, Orphanet 582, MedGen C0086652, MONDO:0009660, OMIM 253010.
GM1 gangliosidosis. Identifiers: Orphanet 354, MedGen C0085131, MONDO:0018149.

Allele frequency attached by ClinVar (database versions not stated): TOPMed below 0.00001; gnomAD exomes 0.00001 and 0.00002; ExAC 0.00002.
gnomAD v4.1: 7 of 1,614,172 alleles (0.00043%); highest among the groups gnomAD compares: Admixed American, 0.005%; no homozygotes.

Submissions (3):

Natera, Inc.
Classification: Pathogenic for Mucopolysaccharidosis, MPS-IV-B. Last evaluated: 2025-08-26. Review status: criteria provided, single submitter. Criteria: Natera Variant Classification Schema (03/2026). Collection method: clinical testing. Allele origin: germline.
Comment: The c.1580G>A variant in GLB1 is a nonsense variant predicted to introduce a stop codon at amino acid 527. This variant is expected to result in nonsense mediated decay, truncation, or a dysfunctional protein product. This variant is rare in the general population with a frequency below the threshold expected for the associated phenotype(s). This variant has been observed in one or more individuals affected with the associated recessive disease, as either homozygous or compound heterozygous with a second variant (PMID: 21214877). Given the available evidence, this variant is classified as Pathogenic.

Labcorp Genetics (formerly Invitae), Labcorp
Classification: Pathogenic for Mucopolysaccharidosis, MPS-IV-B; GM1 gangliosidosis. Last evaluated: 2023-11-07. Review status: criteria provided, single submitter. Criteria: Invitae Variant Classification Sherloc (09022015). Collection method: clinical testing. Allele origin: germline.
Comment: This sequence change creates a premature translational stop signal (p.Trp527*) in the GLB1 gene. It is expected to result in an absent or disrupted protein product. Loss-of-function variants in GLB1 are known to be pathogenic (PMID: 18524657). This variant is present in population databases (rs769781778, gnomAD 0.006%). This premature translational stop signal has been observed in individual(s) with GM1 gangliosidosis (PMID: 16941474, 21214877). ClinVar contains an entry for this variant (Variation ID: 1076248). For these reasons, this variant has been classified as Pathogenic.

Women's Health and Genetics/Laboratory Corporation of America, LabCorp
Classification: Pathogenic for Mucopolysaccharidosis, MPS-IV-B. Last evaluated: 2023-04-03. Review status: criteria provided, single submitter. Criteria: LabCorp Variant Classification Summary - May 2015. Collection method: clinical testing. Allele origin: germline.
Comment: Variant summary: GLB1 c.1580G>A (p.Trp527X) results in a premature termination codon, predicted to cause a truncation of the encoded protein or absence of the protein due to nonsense mediated decay, which are commonly known mechanisms for disease. Truncations downstream of this position have been classified as pathogenic by our laboratory. The variant allele was found at a frequency of 2e-05 in 247826 control chromosomes. The available data on variant occurrences in the general population are insufficient to allow any conclusion about variant significance. c.1580G>A has been reported in the literature in multiple individuals affected with Mucopolysaccharidosis Type IVB (Morquio Syndrome B) (e.g., Santamaria_2006, Coutinho_2012). These data indicate that the variant is very likely to be associated with disease. At least one publication reports experimental evidence evaluating an impact on protein function, finding that the variant results in severely reduced beta-galactosidase activity in fibroblasts and peripheral blood leukocytes derived from a homozygous patient (e.g., Coutinho_2012). One clinical diagnostic laboratory has submitted clinical-significance assessments for this variant to ClinVar after 2014 and classified the variant as pathogenic. Based on the evidence outlined above, the variant was classified as pathogenic.

Literature cited by the submitters: PubMed 21214877 (cited by 3 submitters); PubMed 18524657 (cited by Labcorp Genetics (formerly Invitae), Labcorp); PubMed 16941474 (cited by Labcorp Genetics (formerly Invitae), Labcorp and Women's Health and Genetics/Laboratory Corporation of America, LabCorp).

NM_000404.4(GLB1):c.1580G>A (p.Trp527Ter)

Gene: GLB1 (galactosidase beta 1; minus strand). Cytogenetic location: 3p22.3.
Variant type: single nucleotide variant.
Coding change: c.1580G>A on transcript NM_000404.4 (MANE Select); coding-DNA position 1580, G replaced by A.
Protein change: p.Trp527Ter; replaces tryptophan 527 with a stop codon.
Molecular consequence: nonsense.
Genome position (GRCh38, 1-based): chr3:33,014,210, C>T on the plus strand (G>A on the coding strand, the complement: GLB1 is on the minus strand). VCF-style: chr3-33014210-C-T. GRCh37 (hg19) VCF-style: chr3-33055702-C-T.
Other names: c.1580G>A (NM_000404.3); c.1490G>A, p.Trp497Ter (NM_001079811.3); c.1187G>A, p.Trp396Ter (NM_001135602.3); c.1724G>A, p.Trp575Ter (NM_001317040.2); short protein forms W396*, W497*, W527*, W575*.
Identifiers: ClinVar variation 1076248 (VCV001076248.7), dbSNP rs769781778, ClinGen allele CA2299354.